The following is an entry in ClinVar:

NM_022124.6(CDH23):c.5187G>T (p.Thr1729=)

Gene: CDH23 (cadherin related 23; plus strand). Cytogenetic location: 10q22.1.
Variant type: single nucleotide variant.
Coding change: c.5187G>T on transcript NM_022124.6 (MANE Select); coding-DNA position 5187, G replaced by T.
Protein change: p.Thr1729=; no amino-acid change (threonine 1729 retained).
Molecular consequence: synonymous variant.
Genome position (GRCh38, 1-based): chr10:71,778,308, G>T. VCF-style: chr10-71778308-G-T. GRCh37 (hg19) VCF-style: chr10-73538065-G-T.
Identifiers: ClinVar variation 3911947 (VCV003911947.2).

ClinVar aggregate classification (germline): Uncertain significance (1 of 4 stars; one submission).

Submission:

Women's Health and Genetics/Laboratory Corporation of America, LabCorp
Classification: Uncertain significance. Last evaluated: 2025-07-03. Review status: criteria provided, single submitter. Criteria: LabCorp Variant Classification Summary - May 2015. Collection method: clinical testing. Allele origin: germline.
Comment: Variant summary: CDH23 c.5187G>T (p.Thr1729Thr) alters a conserved nucleotide located close to a canonical splice site and therefore could affect mRNA splicing, leading to a significantly altered protein sequence. Several computational tools predict a significant impact on normal splicing: Two predict the variant abolishes the canonical 5' splicing donor site. Two predict the variant weakens the canonical 5' donor site. However, these predictions have yet to be confirmed by functional studies. The variant was absent in 248930 control chromosomes. The available data on variant occurrences in the general population are insufficient to allow any conclusion about variant significance. To our knowledge, no occurrence of c.5187G>T in individuals affected with Usher Syndrome and no experimental evidence demonstrating its impact on protein function have been reported. No submitters have cited clinical-significance assessments for this variant to ClinVar. Based on the evidence outlined above, the variant was classified as uncertain significance.